The following is an entry in ClinVar:

ClinVar aggregate classification (germline): Pathogenic (1 of 4 stars; one submission).

Conditions:
Charcot-Marie-Tooth disease axonal type 2S. Also called: CHARCOT-MARIE-TOOTH NEUROPATHY, TYPE 2S; CHARCOT-MARIE-TOOTH DISEASE, AXONAL, AUTOSOMAL RECESSIVE, TYPE 2S. Identifiers: Orphanet 443073, MedGen C4015349, MONDO:0014511, OMIM 616155.
Autosomal recessive distal spinal muscular atrophy 1. Also called: HMN VI; NEURONOPATHY, SEVERE INFANTILE AXONAL, WITH RESPIRATORY FAILURE; SEVERE INFANTILE AXONAL NEUROPATHY WITH RESPIRATORY FAILURE; SPINAL MUSCULAR ATROPHY, DIAPHRAGMATIC; Spinal muscular atrophy with respiratory distress 1; NEURONOPATHY, DISTAL HEREDITARY MOTOR, HARDING TYPE VI. Identifiers: Orphanet 98920, MedGen C1858517, MONDO:0011436, OMIM 604320.

Submission:

Labcorp Genetics (formerly Invitae), Labcorp
Classification: Pathogenic for Autosomal recessive distal spinal muscular atrophy 1; Charcot-Marie-Tooth disease axonal type 2S. Last evaluated: 2025-08-06. Review status: criteria provided, single submitter. Criteria: Invitae Variant Classification Sherloc (09022015). Collection method: clinical testing. Allele origin: germline.
Comment: This sequence change creates a premature translational stop signal (p.Thr218Metfs*15) in the IGHMBP2 gene. It is expected to result in an absent or disrupted protein product. Loss-of-function variants in IGHMBP2 are known to be pathogenic (PMID: 14681881, 25439726, 25568292). This variant is not present in population databases (gnomAD no frequency). This premature translational stop signal has been observed in individual(s) with IGHMBP2-related condition (PMID: 35086940). ClinVar contains an entry for this variant (Variation ID: 2932199). For these reasons, this variant has been classified as Pathogenic.

Literature cited by the submitters: PubMed 14681881; PubMed 25439726; PubMed 25568292; PubMed 35086940.

NM_002180.3(IGHMBP2):c.653del (p.Thr218fs)

Gene: IGHMBP2 (immunoglobulin mu DNA binding protein 2; plus strand). Cytogenetic location: 11q13.3.
Variant type: Deletion.
Coding change: c.653del on transcript NM_002180.3 (MANE Select); coding-DNA position 653, one base deleted (C; older notation c.653delC).
Protein change: p.Thr218fs; shifts the reading frame from threonine 218.
Molecular consequence: frameshift variant.
Genome position (GRCh38, 1-based): chr11:68,911,545, C deleted. VCF-style (leftmost placement, unchanged base first): chr11-68911544-AC-A. GRCh37 (hg19) VCF-style: chr11-68679012-AC-A.
Other names: short protein forms T218fs.
Identifiers: ClinVar variation 2932199 (VCV002932199.3), dbSNP rs2495964905, ClinGen allele CA2574904089.